The following is an entry in ClinVar:

ClinVar aggregate classification (germline): Likely benign (1 of 4 stars; one submission).

gnomAD v4.1: 12 of 1,613,986 alleles (0.00074%); highest among the groups gnomAD compares: African/African-American, 0.0027%; no homozygotes.

Submission:

CeGaT Center for Human Genetics Tuebingen
Classification: Likely benign. Last evaluated: 2026-05-01. Review status: criteria provided, single submitter. Criteria: CeGaT Center For Human Genetics Tuebingen Variant Classification Criteria Version 2. Collection method: clinical testing. Allele origin: germline. Affected: yes. Observed: 1 variant allele.
Comment: CTCF: BP4, BP7

NM_006565.4(CTCF):c.822G>A (p.Thr274=)

Gene: CTCF (CCCTC-binding factor; plus strand). Cytogenetic location: 16q22.1.
Variant type: single nucleotide variant.
Coding change: c.822G>A on transcript NM_006565.4 (MANE Select); coding-DNA position 822, G replaced by A.
Protein change: p.Thr274=; no amino-acid change (threonine 274 retained).
Molecular consequence: synonymous variant. On other transcripts: intron variant (1).
Genome position (GRCh38, 1-based): chr16:67,611,991, G>A. VCF-style: chr16-67611991-G-A. GRCh37 (hg19) VCF-style: chr16-67645894-G-A.
Other names: c.822G>A, p.Thr274= (NM_001363916.2, NM_001438968.1, NM_001438969.1); c.-32-4754G>A (NM_001191022.2).
Identifiers: ClinVar variation 4872303 (VCV004872303.2).